The following is an entry in ClinVar:

NM_003072.5(SMARCA4):c.4285C>A (p.Arg1429Ser)

Gene: SMARCA4 (SWI/SNF related BAF chromatin remodeling complex subunit ATPase 4; plus strand). Cytogenetic location: 19p13.2.
Variant type: single nucleotide variant.
Coding change: c.4285C>A on transcript NM_003072.5 (MANE Select); coding-DNA position 4285, C replaced by A.
Protein change: p.Arg1429Ser; replaces arginine 1429 with serine.
Molecular consequence: missense variant. On other transcripts: non-coding transcript variant (1).
Genome position (GRCh38, 1-based): chr19:11,041,421, C>A. VCF-style: chr19-11041421-C-A. GRCh37 (hg19) VCF-style: chr19-11152097-C-A.
Other names: c.4195C>A, p.Arg1399Ser (NM_001128845.2, NM_001128846.2); c.4186C>A, p.Arg1396Ser (NM_001128847.4, NM_001128848.2, NM_001374457.1); c.4381C>A, p.Arg1461Ser (NM_001128849.3); c.4285C>A, p.Arg1429Ser (NM_001128844.3); short protein forms R1461S, R1399S, R1429S, R1396S.
Identifiers: ClinVar variation 824844 (VCV000824844.4), dbSNP rs1060502069, ClinGen allele CA404073585.

ClinVar aggregate classification (germline): Uncertain significance (1 of 4 stars; one submission).

Conditions:
Hereditary cancer-predisposing syndrome. Also called: Neoplastic Syndromes, Hereditary; Tumor predisposition; Hereditary neoplastic syndrome; Hereditary Cancer Syndrome. Identifiers: Orphanet 140162, MedGen C0027672, MeSH D009386, MONDO:0015356.

gnomAD v4.1: 1 of 1,612,362 alleles (0.000062%); highest among the groups gnomAD compares: Non-Finnish European, 0.000085%; no homozygotes.

Submission:

Ambry Genetics
Classification: Uncertain significance for Hereditary cancer-predisposing syndrome. Last evaluated: 2019-02-14. Review status: criteria provided, single submitter. Criteria: Ambry Variant Classification Scheme 2023. Collection method: clinical testing. Allele origin: germline.
Comment: The p.R1461S variant (also known as c.4381C>A), located in coding exon 30 of the SMARCA4 gene, results from a C to A substitution at nucleotide position 4381. The arginine at codon 1461 is replaced by serine, an amino acid with dissimilar properties. This amino acid position is well conserved in available vertebrate species. In addition, the in silico prediction for this alteration is inconclusive. Since supporting evidence is limited at this time, the clinical significance of this alteration remains unclear.